The following is an entry in ClinVar:

ClinVar aggregate classification (germline): Uncertain significance (1 of 4 stars; one submission).

Allele frequency attached by ClinVar (database versions not stated): ExAC 0.00003; gnomAD 0.00003; TOPMed 0.00003; ESP Exome Variant Server 0.00008.
gnomAD v4.1: 201 of 1,614,126 alleles (0.012%); highest among the groups gnomAD compares: Middle Eastern, 0.016%; no homozygotes.

Submission:

Labcorp Genetics (formerly Invitae), Labcorp
Classification: Uncertain significance. Last evaluated: 2025-01-10. Review status: criteria provided, single submitter. Criteria: Invitae Variant Classification Sherloc (09022015). Collection method: clinical testing. Allele origin: germline.
Comment: This sequence change replaces threonine, which is neutral and polar, with alanine, which is neutral and non-polar, at codon 494 of the CDK13 protein (p.Thr494Ala). This variant is present in population databases (rs34624759, gnomAD 0.01%). This variant has not been reported in the literature in individuals affected with CDK13-related conditions. ClinVar contains an entry for this variant (Variation ID: 1902415). Invitae Evidence Modeling of protein sequence and biophysical properties (such as structural, functional, and spatial information, amino acid conservation, physicochemical variation, residue mobility, and thermodynamic stability) indicates that this missense variant is not expected to disrupt CDK13 protein function with a negative predictive value of 80%. In summary, the available evidence is currently insufficient to determine the role of this variant in disease. Therefore, it has been classified as a Variant of Uncertain Significance.

NM_003718.5(CDK13):c.1480A>G (p.Thr494Ala)

Gene: CDK13 (cyclin dependent kinase 13; plus strand). Cytogenetic location: 7p14.1.
Variant type: single nucleotide variant.
Coding change: c.1480A>G on transcript NM_003718.5 (MANE Select); coding-DNA position 1480, A replaced by G.
Protein change: p.Thr494Ala; replaces threonine 494 with alanine.
Molecular consequence: missense variant.
Genome position (GRCh38, 1-based): chr7:39,987,867, A>G. VCF-style: chr7-39987867-A-G. GRCh37 (hg19) VCF-style: chr7-40027466-A-G.
Other names: c.1480A>G, p.Thr494Ala (NM_031267.4); short protein forms T494A.
Identifiers: ClinVar variation 1902415 (VCV001902415.5), dbSNP rs34624759, ClinGen allele CA4228503.
Genomic context (GRCh38, chr7:39,987,867, plus strand): 5'-GCAGAAGCAACTAAGGCTGCTGAGGCTGCTGCCAAGGCTGCAAAAGCTTCAAACACTTCT[A>G]CACCTACCAAGGGGAACACGGAAACTAGTGCCAGTGCATCACAAACAAACCATGTGAAGG-3'
Protein context (NP_003709.3, residues 484-504): AKAAKASNTS[Thr494Ala]PTKGNTETSA